The following is an entry in ClinVar:

NM_021813.4(BACH2):c.2332G>A (p.Gly778Arg)

Gene: BACH2 (BACH transcriptional regulator 2; minus strand). Cytogenetic location: 6q15.
Variant type: single nucleotide variant.
Coding change: c.2332G>A on transcript NM_021813.4 (MANE Select); coding-DNA position 2332, G replaced by A.
Protein change: p.Gly778Arg; replaces glycine 778 with arginine.
Molecular consequence: missense variant.
Genome position (GRCh38, 1-based): chr6:89,932,602, C>T on the plus strand (G>A on the coding strand, the complement: BACH2 is on the minus strand). VCF-style: chr6-89932602-C-T. GRCh37 (hg19) VCF-style: chr6-90642321-C-T.
Other names: c.2332G>A, p.Gly778Arg (NM_001170794.2); c.2332G>A (NM_021813.2); short protein forms G778R.
Identifiers: ClinVar variation 2157229 (VCV002157229.5), dbSNP rs768610688, ClinGen allele CA3927804.
Genomic context (GRCh38, chr6:89,932,602, plus strand): 5'-CTTCTAGTCTCCTCCCAGAGGTACAATTCTCGGAGGTGTTGCTGGGTGCCCAGGGGGGTC[C>T]GGGGGGAGCCGCGCCTGGCTCCAAGCAGCAGGGCACGTTTTCCCCCACTGCGCATTGGGA-3'
Protein context (NP_068585.1, residues 768-788): CCLEPGAAPP[Gly778Arg]PPWAPSNTSE

ClinVar aggregate classification (germline): Uncertain significance. Review status: criteria provided, multiple submitters, no conflicts (2 of 4 stars). 2 submissions from 2 submitters: Uncertain significance (2). Last evaluated 2025-10-15.

Allele frequency attached by ClinVar (database versions not stated): gnomAD 0.00005; TOPMed 0.00005; ExAC 0.00008; gnomAD exomes 0.00012.
gnomAD v4.1: 174 of 1,613,754 alleles (0.011%); highest among the groups gnomAD compares: East Asian, 0.29%; 2 homozygotes.

Submissions (2):

Labcorp Genetics (formerly Invitae), Labcorp
Classification: Uncertain significance. Last evaluated: 2025-10-15. Review status: criteria provided, single submitter. Criteria: Invitae Variant Classification Sherloc (09022015). Collection method: clinical testing. Allele origin: germline.
Comment: This sequence change replaces glycine, which is neutral and non-polar, with arginine, which is basic and polar, at codon 778 of the BACH2 protein (p.Gly778Arg). This variant is present in population databases (rs768610688, gnomAD 0.04%), and has an allele count higher than expected for a pathogenic variant. This variant has not been reported in the literature in individuals affected with BACH2-related conditions. ClinVar contains an entry for this variant (Variation ID: 2157229). Invitae Evidence Modeling of protein sequence and biophysical properties (such as structural, functional, and spatial information, amino acid conservation, physicochemical variation, residue mobility, and thermodynamic stability) indicates that this missense variant is not expected to disrupt BACH2 protein function with a negative predictive value of 80%. In summary, the available evidence is currently insufficient to determine the role of this variant in disease. Therefore, it has been classified as a Variant of Uncertain Significance.

Ambry Genetics
Classification: Uncertain significance. Last evaluated: 2021-09-16. Review status: criteria provided, single submitter. Criteria: Ambry Variant Classification Scheme 2023. Collection method: clinical testing. Allele origin: germline.